The following is an entry in ClinVar:

NM_000719.7(CACNA1C):c.171C>T (p.Asp57=)

Gene: CACNA1C (calcium voltage-gated channel subunit alpha1 C; plus strand). Cytogenetic location: 12p13.33.
Variant type: single nucleotide variant.
Coding change: c.171C>T on transcript NM_000719.7 (MANE Select); coding-DNA position 171, C replaced by T.
Protein change: p.Asp57=; no amino-acid change (aspartic acid 57 retained).
Molecular consequence: synonymous variant.
Genome position (GRCh38, 1-based): chr12:2,115,345, C>T. VCF-style: chr12-2115345-C-T. GRCh37 (hg19) VCF-style: chr12-2224511-C-T.
Other names: p.Asp57=; c.171C>T, p.Asp57= (NM_001129827.2, NM_001129829.2, NM_001129830.3 and 19 more transcripts); c.171C>T (NM_199460.3).
Identifiers: ClinVar variation 35767 (VCV000035767.44), dbSNP rs34419050, ClinGen allele CA146886.
Genomic context (GRCh38, chr12:2,115,345, plus strand): 5'-GCTGGCCCCTGAGCACATCCCCACCCCGGGGGCTGCCCTGTCGTGGCAGGCGGCCATCGA[C>T]GCAGCCCGGCAGGCTAAGCTGATGGGCAGCGCTGGCAATGCGACCATCTCCACAGTCAGC-3'
Protein context (NP_000710.5, residues 47-67): GAALSWQAAI[Asp57=]AARQAKLMGS

ClinVar aggregate classification (germline): Benign/Likely benign. Review status: criteria provided, multiple submitters, no conflicts (2 of 4 stars). 13 submissions from 13 submitters: Benign (9); Likely benign (1). 3 of the submissions do not count toward it. Last evaluated 2026-02-04.

Conditions:
Cardiac arrhythmia. Also called: Cardiac rhythm disease; Arrhythmia. Identifiers: MedGen C0003811, MONDO:0007263, HP:0011675.
Cardiovascular phenotype. Identifiers: MedGen CN230736.
Long QT syndrome (LQTS). Identifiers: MedGen C0023976, MeSH D008133, MONDO:0002442. Disease mechanism: loss of function. Inheritance: Various modes of inheritance.

Allele frequency attached by ClinVar (database versions not stated): gnomAD exomes 0.02374 and 0.02049; ExAC 0.03236; 1000 Genomes Project 30x 0.01124; 1000 Genomes Project 0.01178; TOPMed 0.01494; gnomAD 0.01584 and 0.01655; ESP Exome Variant Server 0.01723.
gnomAD v4.1: 36,350 of 1,588,598 alleles (2.3%); highest among the groups gnomAD compares: South Asian, 3.9%; 524 homozygotes.

Submissions (13):

Labcorp Genetics (formerly Invitae), Labcorp
Classification: Benign for Long QT syndrome. Last evaluated: 2026-02-04. Review status: criteria provided, single submitter. Criteria: Invitae Variant Classification Sherloc (09022015). Collection method: clinical testing. Allele origin: germline.

ARUP Laboratories, Molecular Genetics and Genomics, ARUP Laboratories
Classification: Benign. Last evaluated: 2025-06-05. Review status: criteria provided, single submitter. Criteria: ARUP Molecular Germline Variant Investigation Process 2024. Collection method: clinical testing. Allele origin: germline.

Molecular Diagnostic Laboratory for Inherited Cardiovascular Disease, Montreal Heart Institute
Classification: Benign. Last evaluated: 2025-04-09. Review status: criteria provided, single submitter. Criteria: ACMG Guidelines, 2015. Collection method: clinical testing. Allele origin: germline. Affected: no.

Blueprint Genetics
Classification: Likely benign. Last evaluated: 2024-11-27. Review status: criteria provided, single submitter. Criteria: ACMG Guidelines, 2015. Collection method: clinical testing. Allele origin: germline.

Mayo Clinic Laboratories, Mayo Clinic
Classification: Benign. Last evaluated: 2024-01-19. Review status: criteria provided, single submitter. Criteria: ACMG Guidelines, 2015. Collection method: clinical testing. Allele origin: germline. Observed: 48 variant alleles.
Comment: BS1, BS2, BP4, BP7

Ambry Genetics
Classification: Benign for Cardiovascular phenotype. Last evaluated: 2015-03-25. Review status: criteria provided, single submitter. Criteria: Ambry Variant Classification Scheme 2023. Collection method: clinical testing. Allele origin: germline.

GeneDx
Classification: Benign. Last evaluated: 2015-03-03. Review status: criteria provided, single submitter. Criteria: GeneDx Variant Classification Process June 2021. Collection method: clinical testing. Allele origin: germline. Affected: yes.

Eurofins Ntd Llc (ga)
Classification: Benign. Last evaluated: 2013-01-03. Review status: criteria provided, single submitter. Criteria: EGL Classification Definitions 2015. Collection method: clinical testing. Allele origin: germline. Observed: 3 variant alleles, 3 heterozygotes.

Breakthrough Genomics
Classification: Benign. Review status: criteria provided, single submitter. Criteria: ACMG Guidelines, 2015. Collection method: not provided. Allele origin: germline. Inheritance: Autosomal dominant inheritance. Affected: yes.

PreventionGenetics, part of Exact Sciences
Classification: Benign. Review status: criteria provided, single submitter. Criteria: ACMG Guidelines, 2015. Collection method: clinical testing. Allele origin: germline.

Women's Health and Genetics/Laboratory Corporation of America, LabCorp
Classification: Benign for Arrhythmia. Last evaluated: 2013-04-22. Review status: no assertion criteria provided. Collection method: clinical testing. Allele origin: germline. Not counted in ClinVar's aggregate classification.

Clinical Genetics, Academic Medical Center
Classification: Benign. Review status: no assertion criteria provided. Collection method: clinical testing. Allele origin: germline. Affected: yes. Study: VKGL Data-share Consensus. Not counted in ClinVar's aggregate classification.

Joint Genome Diagnostic Labs from Nijmegen and Maastricht, Radboudumc and MUMC+
Classification: Benign. Review status: no assertion criteria provided. Collection method: clinical testing. Allele origin: germline. Affected: yes. Study: VKGL Data-share Consensus. Not counted in ClinVar's aggregate classification.